The following is an entry in ClinVar:

ClinVar aggregate classification (germline): Uncertain significance (1 of 4 stars; one submission).

Conditions:
Familial thoracic aortic aneurysm and aortic dissection (TAAD). Also called: Thoracic aortic aneurysms and dissections. Identifiers: Orphanet 91387, MedGen C4707243, MONDO:0019625.

Allele frequency attached by ClinVar (database versions not stated): ExAC 0.00001; gnomAD 0.00001; 1000 Genomes Project 30x 0.00016; 1000 Genomes Project 0.00020.
gnomAD v4.1: 1 of 1,613,264 alleles (0.000062%); highest among the groups gnomAD compares: African/African-American, 0.0013%; no homozygotes.

Submission:

Ambry Genetics
Classification: Uncertain significance for Familial thoracic aortic aneurysm and aortic dissection. Last evaluated: 2022-11-27. Review status: criteria provided, single submitter. Criteria: Ambry Variant Classification Scheme 2023. Collection method: clinical testing. Allele origin: germline.
Comment: The p.D1074V variant (also known as c.3221A>T), located in coding exon 15 of the MYLK gene, results from an A to T substitution at nucleotide position 3221. The aspartic acid at codon 1074 is replaced by valine, an amino acid with highly dissimilar properties. This amino acid position is conserved. In addition, the in silico prediction for this alteration is inconclusive. Since supporting evidence is limited at this time, the clinical significance of this alteration remains unclear.

NM_053025.4(MYLK):c.3221A>T (p.Asp1074Val)

Gene: MYLK (myosin light chain kinase; minus strand). Cytogenetic location: 3q21.1.
Variant type: single nucleotide variant.
Coding change: c.3221A>T on transcript NM_053025.4 (MANE Select); coding-DNA position 3221, A replaced by T.
Protein change: p.Asp1074Val; replaces aspartic acid 1074 with valine.
Molecular consequence: missense variant.
Genome position (GRCh38, 1-based): chr3:123,700,247, T>A on the plus strand (A>T on the coding strand, the complement: MYLK is on the minus strand). VCF-style: chr3-123700247-T-A. GRCh37 (hg19) VCF-style: chr3-123419094-T-A.
Other names: c.2693A>T, p.Asp898Val (NM_001321309.2); c.3014A>T, p.Asp1005Val (NM_053026.4, NM_053028.4); c.3221A>T, p.Asp1074Val (NM_053027.4); short protein forms D1005V, D1074V, D898V.
Identifiers: ClinVar variation 2452953 (VCV002452953.2), dbSNP rs529292204, ClinGen allele CA069469.